The following is an entry in ClinVar:

NM_033028.5(BBS4):c.1013G>T (p.Gly338Val)

Gene: BBS4 (Bardet-Biedl syndrome 4; plus strand). Cytogenetic location: 15q24.1.
Variant type: single nucleotide variant.
Coding change: c.1013G>T on transcript NM_033028.5 (MANE Select); coding-DNA position 1013, G replaced by T.
Protein change: p.Gly338Val; replaces glycine 338 with valine.
Molecular consequence: missense variant. On other transcripts: non-coding transcript variant (2).
Genome position (GRCh38, 1-based): chr15:72,731,703, G>T. VCF-style: chr15-72731703-G-T. GRCh37 (hg19) VCF-style: chr15-73024044-G-T.
Other names: c.497G>T, p.Gly166Val (NM_001252678.2); c.944G>T, p.Gly315Val (NM_001320665.2); short protein forms G338V, G166V, G315V.
Identifiers: ClinVar variation 956251 (VCV000956251.11), dbSNP rs750983167, ClinGen allele CA7646852.
Genomic context (GRCh38, chr15:72,731,703, plus strand): 5'-AGCAGTATGCATCAGCTTTTCATTTTCTCAGTGCGGCCATCAACTTCCAGCCAAAGATGG[G>T]GGAGCTCTACATGCTCTTGGCAGGTAAGAAACATTTATGTGGAAAACTCTCTCTGCCATC-3'
Protein context (NP_149017.2, residues 328-348): SAAINFQPKM[Gly338Val]ELYMLLAVAL

ClinVar aggregate classification (germline): Uncertain significance. Review status: criteria provided, multiple submitters, no conflicts (2 of 4 stars). 3 submissions from 3 submitters: Uncertain significance (3). Last evaluated 2025-09-03.

Conditions:
Bardet-Biedl syndrome 4 (BBS4). Identifiers: Orphanet 110, MedGen C2936864, MONDO:0014433, OMIM 615982.
BBS4-related disorder. Also called: BBS4-related condition.
Bardet-Biedl syndrome (BBS). Identifiers: Orphanet 110, MedGen C0752166, MONDO:0015229.

Allele frequency attached by ClinVar (database versions not stated): TOPMed 0.00002.
gnomAD v4.1: 8 of 1,614,014 alleles (0.0005%); highest among the groups gnomAD compares: African/African-American, 0.011%; no homozygotes.

Submissions (3):

PreventionGenetics, part of Exact Sciences
Classification: Uncertain significance for BBS4-related condition. Last evaluated: 2025-09-03. Review status: criteria provided, single submitter. Criteria: ACMG Guidelines, 2015. Collection method: clinical testing. Allele origin: germline.
Comment: The BBS4 c.1013G>T variant is predicted to result in the amino acid substitution p.Gly338Val. To our knowledge, this variant has not been reported in the literature. This variant is reported in 0.020% of alleles in individuals of African descent in gnomAD. At this time, the clinical significance of this variant is uncertain due to the absence of conclusive functional and genetic evidence.

Labcorp Genetics (formerly Invitae), Labcorp
Classification: Uncertain significance for Bardet-Biedl syndrome. Last evaluated: 2024-10-15. Review status: criteria provided, single submitter. Criteria: Invitae Variant Classification Sherloc (09022015). Collection method: clinical testing. Allele origin: germline.
Comment: This sequence change replaces glycine, which is neutral and non-polar, with valine, which is neutral and non-polar, at codon 338 of the BBS4 protein (p.Gly338Val). This variant is present in population databases (rs750983167, gnomAD 0.02%). This variant has not been reported in the literature in individuals affected with BBS4-related conditions. ClinVar contains an entry for this variant (Variation ID: 956251). Invitae Evidence Modeling of protein sequence and biophysical properties (such as structural, functional, and spatial information, amino acid conservation, physicochemical variation, residue mobility, and thermodynamic stability) indicates that this missense variant is not expected to disrupt BBS4 protein function with a negative predictive value of 80%. In summary, the available evidence is currently insufficient to determine the role of this variant in disease. Therefore, it has been classified as a Variant of Uncertain Significance.

Fulgent Genetics
Classification: Uncertain significance for Bardet-Biedl syndrome 4. Last evaluated: 2022-03-07. Review status: criteria provided, single submitter. Criteria: ACMG Guidelines, 2015. Collection method: clinical testing. Allele origin: unknown.